The following is an entry in ClinVar:

NM_005219.5(DIAPH1):c.1387G>A (p.Gly463Arg)

Gene: DIAPH1 (diaphanous related formin 1; minus strand). Cytogenetic location: 5q31.3.
Variant type: single nucleotide variant.
Coding change: c.1387G>A on transcript NM_005219.5 (MANE Select); coding-DNA position 1387, G replaced by A.
Protein change: p.Gly463Arg; replaces glycine 463 with arginine.
Molecular consequence: missense variant.
Genome position (GRCh38, 1-based): chr5:141,576,765, C>T on the plus strand (G>A on the coding strand, the complement: DIAPH1 is on the minus strand). VCF-style: chr5-141576765-C-T. GRCh37 (hg19) VCF-style: chr5-140956332-C-T.
Other names: c.1360G>A, p.Gly454Arg (NM_001079812.3); c.1387G>A, p.Gly463Arg (NM_001314007.2); short protein forms G454R, G463R.
Identifiers: ClinVar variation 4785856 (VCV004785856.1).
Genomic context (GRCh38, chr5:141,576,765, plus strand): 5'-ATGAAAGGAAGAAGCAATACTTGGAGGAGCCAGATAGAAGAGTATGCTTACCAATTAATC[C>T]CTCAATCTCAATCTGGAGGTGCCGGCACTTGAAGTCAGGATCAGCCCCGTTCTTGTGCAG-3'
Protein context (NP_005210.3, residues 453-473): KCRHLQIEIE[Gly463Arg]LIDQMIDKTK

ClinVar aggregate classification (germline): Uncertain significance (1 of 4 stars; one submission).

Conditions:
Progressive microcephaly-seizures-cortical blindness-developmental delay syndrome. Also called: Seizures, cortical blindness, and microcephaly syndrome. Identifiers: Orphanet 477814, MedGen C5567650, MONDO:0014714, OMIM 616632.
Autosomal dominant nonsyndromic hearing loss 1. Also called: DEAFNESS, AUTOSOMAL DOMINANT 1, WITH OR WITHOUT THROMBOCYTOPENIA; KONIGSMARK SYNDROME. Identifiers: Orphanet 90635, MedGen C1852282, MONDO:0007424, OMIM 124900.

Submission:

Labcorp Genetics (formerly Invitae), Labcorp
Classification: Uncertain significance for Progressive microcephaly-seizures-cortical blindness-developmental delay syndrome; Autosomal dominant nonsyndromic hearing loss 1. Last evaluated: 2025-08-13. Review status: criteria provided, single submitter. Criteria: Invitae Variant Classification Sherloc (09022015). Collection method: clinical testing. Allele origin: germline.
Comment: This sequence change replaces glycine, which is neutral and non-polar, with arginine, which is basic and polar, at codon 463 of the DIAPH1 protein (p.Gly463Arg). This variant is not present in population databases (gnomAD no frequency). This variant has not been reported in the literature in individuals affected with DIAPH1-related conditions. Experimental studies and prediction algorithms are not available or were not evaluated, and the functional significance of this variant is currently unknown. In summary, the available evidence is currently insufficient to determine the role of this variant in disease. Therefore, it has been classified as a Variant of Uncertain Significance.